The following is an entry in ClinVar:

ClinVar aggregate classification (germline): Likely benign. Review status: criteria provided, multiple submitters, no conflicts (2 of 4 stars). 2 submissions from 2 submitters: Likely benign (2). Last evaluated 2026-09-09.

Conditions:
SBF2-related disorder. Also called: SBF2-related condition.
Charcot-Marie-Tooth disease type 4. Also called: Charcot-Marie-Tooth disease, type IV; Charcot-Marie-Tooth, Type 4. Identifiers: Orphanet 64749, MedGen C4082197, MONDO:0018995.

Allele frequency attached by ClinVar (database versions not stated): gnomAD exomes 0.00001; ExAC 0.00002; TOPMed 0.00006; gnomAD 0.00007; ESP Exome Variant Server 0.00008.
gnomAD v4.1: 14 of 1,613,680 alleles (0.00087%); highest among the groups gnomAD compares: African/African-American, 0.016%; no homozygotes.

Submissions (2):

PreventionGenetics, part of Exact Sciences
Classification: Likely benign for SBF2-related condition. Last evaluated: 2026-09-09. Review status: criteria provided, single submitter. Criteria: ACMG Guidelines, 2015. Collection method: clinical testing. Allele origin: germline.
Comment: This variant is classified as likely benign based on ACMG/AMP sequence variant interpretation guidelines (Richards et al. 2015 PMID: 25741868, with internal and published modifications).

Labcorp Genetics (formerly Invitae), Labcorp
Classification: Likely benign for Charcot-Marie-Tooth disease type 4. Last evaluated: 2023-10-03. Review status: criteria provided, single submitter. Criteria: Invitae Variant Classification Sherloc (09022015). Collection method: clinical testing. Allele origin: germline.

NM_030962.4(SBF2):c.3455+9G>A

Genes: SBF2 (SET binding factor 2; minus strand), LOC101928008 (uncharacterized LOC101928008; plus strand). Cytogenetic location: 11p15.4.
Variant type: single nucleotide variant.
Coding change: c.3455+9G>A on transcript NM_030962.4 (MANE Select); 9 bases into the intron after coding-DNA position 3455, G replaced by A.
Molecular consequence: intron variant.
Genome position (GRCh38, 1-based): chr11:9,839,489, C>T on the plus strand (G>A on the coding strand, the complement: SBF2 is on the minus strand). VCF-style: chr11-9839489-C-T. GRCh37 (hg19) VCF-style: chr11-9861036-C-T.
Other names: c.3326+9G>A (NM_001386342.1); c.3455+9G>A (NM_001386339.1, NM_030962.3).
Identifiers: ClinVar variation 1083426 (VCV001083426.10), dbSNP rs372886234, ClinGen allele CA5881278.